The following is an entry in ClinVar:

ClinVar aggregate classification (germline): Uncertain significance. Review status: criteria provided, multiple submitters, no conflicts (2 of 4 stars). 3 submissions from 3 submitters: Uncertain significance (3). Last evaluated 2025-09-19.

Conditions:
Hereditary cancer-predisposing syndrome. Also called: Tumor predisposition; Hereditary Cancer Syndrome; Hereditary neoplastic syndrome; Neoplastic Syndromes, Hereditary. Identifiers: Orphanet 140162, MedGen C0027672, MeSH D009386, MONDO:0015356.
Familial adenomatous polyposis 1 (FAP1). Also called: FAMILIAL ADENOMATOUS POLYPOSIS 1, ATTENUATED; POLYPOSIS, ADENOMATOUS INTESTINAL. Identifiers: MedGen C2713442, MONDO:0021056, OMIM 175100. Disease mechanism: loss of function.

Allele frequency attached by ClinVar (database versions not stated): gnomAD exomes below 0.00001; ExAC 0.00001.

Submissions (3):

Labcorp Genetics (formerly Invitae), Labcorp
Classification: Uncertain significance for Familial adenomatous polyposis 1. Last evaluated: 2025-09-19. Review status: criteria provided, single submitter. Criteria: Invitae Variant Classification Sherloc (09022015). Collection method: clinical testing. Allele origin: germline.
Comment: This sequence change replaces alanine, which is neutral and non-polar, with threonine, which is neutral and polar, at codon 928 of the APC protein (p.Ala928Thr). This variant is present in population databases (rs730881222, gnomAD 0.006%). This variant has not been reported in the literature in individuals affected with APC-related conditions. ClinVar contains an entry for this variant (Variation ID: 181768). Invitae Evidence Modeling of protein sequence and biophysical properties (such as structural, functional, and spatial information, amino acid conservation, physicochemical variation, residue mobility, and thermodynamic stability) indicates that this missense variant is not expected to disrupt APC protein function with a negative predictive value of 95%. In summary, the available evidence is currently insufficient to determine the role of this variant in disease. Therefore, it has been classified as a Variant of Uncertain Significance.

Ambry Genetics
Classification: Uncertain significance for Hereditary cancer-predisposing syndrome. Last evaluated: 2023-05-03. Review status: criteria provided, single submitter. Criteria: Ambry Variant Classification Scheme 2023. Collection method: clinical testing. Allele origin: germline.
Comment: The p.A928T variant (also known as c.2782G>A), located in coding exon 15 of the APC gene, results from a G to A substitution at nucleotide position 2782. The alanine at codon 928 is replaced by threonine, an amino acid with similar properties. This amino acid position is not well conserved in available vertebrate species. In addition, in silico predictors for this gene do not accurately predict pathogenicity. Since supporting evidence is limited at this time, the clinical significance of this alteration remains unclear.

GeneDx
Classification: Uncertain significance. Last evaluated: 2018-07-02. Review status: criteria provided, single submitter. Criteria: GeneDx Variant Classification (06012015). Collection method: clinical testing. Allele origin: germline. Affected: yes.
Comment: This variant is denoted APC c.2782G>A at the cDNA level, p.Ala928Thr (A928T) at the protein level, and results in the change of an Alanine to a Threonine (GCC>ACC). This variant has not, to our knowledge, been published in the literature as a pathogenic or benign germline variant. APC Ala928Thr was not observed at a significant allele frequency in large population cohorts (Lek 2016). This variant is not located in a known functional domain. In silico analysis, which includes protein predictors and evolutionary conservation, supports that this variant does not alter protein structure/function. Based on currently available evidence, it is unclear whether APC Ala928Thr is a pathogenic or benign variant. We consider it to be a variant of uncertain significance.

NM_000038.6(APC):c.2782G>A (p.Ala928Thr)

Gene: APC (APC regulator of Wnt signaling pathway; plus strand). Cytogenetic location: 5q22.2.
Variant type: single nucleotide variant.
Coding change: c.2782G>A on transcript NM_000038.6 (MANE Select); coding-DNA position 2782, G replaced by A.
Protein change: p.Ala928Thr; replaces alanine 928 with threonine.
Molecular consequence: missense variant.
Genome position (GRCh38, 1-based): chr5:112,838,376, G>A. VCF-style: chr5-112838376-G-A. GRCh37 (hg19) VCF-style: chr5-112174073-G-A.
Other names: p.A928T:GCC>ACC; c.2782G>A, p.Ala928Thr (NM_001127510.3, NM_001354895.2); c.2659G>A, p.Ala887Thr (NM_001354900.2); c.2605G>A, p.Ala869Thr (NM_001354901.2); c.2728G>A, p.Ala910Thr (NM_001127511.3); c.2836G>A, p.Ala946Thr (NM_001354896.2); c.2812G>A, p.Ala938Thr (NM_001354897.2); c.2707G>A, p.Ala903Thr (NM_001354898.2); and 6 more; short protein forms A910T, A928T, A802T, A869T, A900T, A645T, A768T, A827T.
Identifiers: ClinVar variation 181768 (VCV000181768.17), dbSNP rs730881222, ClinGen allele CA007787.
Genomic context (GRCh38, chr5:112,838,376, plus strand): 5'-TCTACCACTGAATTACATTGTGTGACAGATGAGAGAAATGCACTTAGAAGAAGCTCTGCT[G>A]CCCATACACATTCAAACACTTACAATTTCACTAAGTCGGAAAATTCAAATAGGACATGTT-3'
Protein context (NP_000029.2, residues 918-938): ERNALRRSSA[Ala928Thr]HTHSNTYNFT